The following is an entry in ClinVar:

ClinVar aggregate classification (germline): Likely benign (1 of 4 stars; one submission).

Submission:

CeGaT Center for Human Genetics Tuebingen
Classification: Likely benign. Last evaluated: 2026-04-01. Review status: criteria provided, single submitter. Criteria: CeGaT Center For Human Genetics Tuebingen Variant Classification Criteria Version 2. Collection method: clinical testing. Allele origin: germline. Affected: yes. Observed: 1 variant allele.
Comment: PLIN4: BP4, BP7

NM_001367868.2(PLIN4):c.1887T>C (p.Gly629=)

Gene: PLIN4 (perilipin 4; minus strand). Cytogenetic location: 19p13.3.
Variant type: single nucleotide variant.
Coding change: c.1887T>C on transcript NM_001367868.2 (MANE Select); coding-DNA position 1887, T replaced by C.
Protein change: p.Gly629=; no amino-acid change (glycine 629 retained).
Molecular consequence: synonymous variant.
Genome position (GRCh38, 1-based): chr19:4,512,073, A>G on the plus strand (T>C on the coding strand, the complement: PLIN4 is on the minus strand). VCF-style: chr19-4512073-A-G. GRCh37 (hg19) VCF-style: chr19-4512085-A-G.
Other names: c.1890T>C, p.Gly630= (NM_001393888.1, NM_001393889.1); c.1887T>C, p.Gly629= (NM_001393890.1, NM_001393891.1).
Identifiers: ClinVar variation 4872730 (VCV004872730.2).
Genomic context (GRCh38, chr19:4,512,073, plus strand): 5'-CACAGCCCCCTTGGCCACGTTCACGGCACTGGTGACCCCACTGTAGATGGTGTCCTTGGT[A>G]CCGGTTAGGACAGTTTTGGTGGTGTCCATGCCTGTCTGGACGGTCCCTTTGGCGACATTC-3'
Protein context (NP_001354797.1, residues 619-639): GMDTTKTVLT[Gly629=]TKDTIYSGVT